The following is an entry in ClinVar:

NM_001164508.2(NEB):c.2524-2A>G

Gene: NEB (nebulin; minus strand). Cytogenetic location: 2q23.3.
Variant type: single nucleotide variant.
Coding change: c.2524-2A>G on transcript NM_001164508.2 (MANE Select); the canonical splice acceptor site of the intron before coding-DNA position 2524, A replaced by G.
Molecular consequence: splice acceptor variant.
Genome position (GRCh38, 1-based): chr2:151,687,534, T>C on the plus strand (A>G on the coding strand, the complement: NEB is on the minus strand). VCF-style: chr2-151687534-T-C. GRCh37 (hg19) VCF-style: chr2-152544048-T-C.
Other names: c.2524-2A>G (NM_004543.5, NM_001164507.2, NM_001271208.2).
Identifiers: ClinVar variation 1519055 (VCV001519055.8), dbSNP rs2148951277, ClinGen allele CA348822783.

ClinVar aggregate classification (germline): Likely pathogenic (1 of 4 stars; one submission).

Conditions:
Nemaline myopathy 2 (NEM2). Also called: Nemaline myopathy 2, autosomal recessive. Identifiers: MedGen C1850569, MONDO:0009725, OMIM 256030.

gnomAD v4.1: 2 of 1,612,954 alleles (0.00012%); highest among the groups gnomAD compares: Non-Finnish European, 0.00017%; no homozygotes.

Submission:

Labcorp Genetics (formerly Invitae), Labcorp
Classification: Likely pathogenic for Nemaline myopathy 2. Last evaluated: 2021-06-22. Review status: criteria provided, single submitter. Criteria: Invitae Variant Classification Sherloc (09022015). Collection method: clinical testing. Allele origin: germline.
Comment: This sequence change affects an acceptor splice site in intron 26 of the NEB gene. It is expected to disrupt RNA splicing. Variants that disrupt the donor or acceptor splice site typically lead to a loss of protein function (PMID: 16199547), and loss-of-function variants in NEB are known to be pathogenic (PMID: 25205138). In summary, the currently available evidence indicates that the variant is pathogenic, but additional data are needed to prove that conclusively. Therefore, this variant has been classified as Likely Pathogenic. Algorithms developed to predict the effect of sequence changes on RNA splicing suggest that this variant may disrupt the consensus splice site, but this prediction has not been confirmed by published transcriptional studies. This variant has not been reported in the literature in individuals with NEB-related conditions. This variant is not present in population databases (ExAC no frequency).

Literature cited by the submitters: PubMed 16199547; PubMed 25205138.